The following is an entry in ClinVar:

NM_000448.3(RAG1):c.2882_2891del (p.Ser961fs)

Gene: RAG1 (recombination activating 1; plus strand). Cytogenetic location: 11p12.
Variant type: Deletion.
Coding change: c.2882_2891del on transcript NM_000448.3 (MANE Select); coding-DNA positions 2882 to 2891, 10 bases deleted (GTGAGGGAAA; older notation c.2882_2891delGTGAGGGAAA).
Protein change: p.Ser961fs; shifts the reading frame from serine 961.
Molecular consequence: frameshift variant.
Genome position (GRCh38, 1-based): chr11:36,576,186-36,576,195, GTGAGGGAAA deleted; deleting any 10 consecutive bases within chr11:36,576,184-36,576,195 gives the same sequence; the c. name uses the placement nearest the transcript's 3' end. VCF-style (leftmost placement, unchanged base first): chr11-36576183-CAAGTGAGGGA-C. GRCh37 (hg19) VCF-style: chr11-36597733-CAAGTGAGGGA-C.
Other names: c.2882_2891del, p.Ser961fs (NM_001377277.1, NM_001377278.1, NM_001377279.1 and 1 more transcripts); short protein forms S961fs.
Identifiers: ClinVar variation 1505484 (VCV001505484.8), dbSNP rs1195475275, ClinGen allele CA598865085.

ClinVar aggregate classification (germline): Pathogenic (1 of 4 stars; one submission).

Conditions:
Severe combined immunodeficiency, autosomal recessive, T cell-negative, B cell-negative, NK cell-positive. Also called: SCID, T CELL-NEGATIVE, B CELL-NEGATIVE, NK CELL-POSITIVE; SCID, AR, T-cell negative, B-cell negative, NK cell-positive; Severe combined immunodeficiency due to complete RAG1/2 deficiency. Identifiers: Orphanet 331206, MedGen C1832322, MONDO:0011086, OMIM 601457.
Combined immunodeficiency with skin granulomas. Identifiers: Orphanet 157949, MedGen C2673536, MONDO:0009306, OMIM 233650.

Submission:

Labcorp Genetics (formerly Invitae), Labcorp
Classification: Pathogenic for Combined immunodeficiency with skin granulomas; Severe combined immunodeficiency, autosomal recessive, T cell-negative, B cell-negative, NK cell-positive. Last evaluated: 2023-07-14. Review status: criteria provided, single submitter. Criteria: Invitae Variant Classification Sherloc (09022015). Collection method: clinical testing. Allele origin: germline.
Comment: This variant is present in population databases (no rsID available, gnomAD 0.007%). For these reasons, this variant has been classified as Pathogenic. This variant disrupts a region of the RAG1 protein in which other variant(s) (p.Lys992Glu) have been determined to be pathogenic (PMID: 11313270, 18442948, 24290284). This suggests that this is a clinically significant region of the protein, and that variants that disrupt it are likely to be disease-causing. ClinVar contains an entry for this variant (Variation ID: 1505484). This variant has not been reported in the literature in individuals affected with RAG1-related conditions. This sequence change creates a premature translational stop signal (p.Ser961Metfs*14) in the RAG1 gene. While this is not anticipated to result in nonsense mediated decay, it is expected to disrupt the last 83 amino acid(s) of the RAG1 protein.

Literature cited by the submitters: PubMed 11313270; PubMed 18442948; PubMed 24290284.